The following is an entry in ClinVar:

NM_005591.4(MRE11):c.1648T>A (p.Leu550Ile)

Gene: MRE11 (MRE11 double strand break repair nuclease; minus strand). Cytogenetic location: 11q21.
Variant type: single nucleotide variant.
Coding change: c.1648T>A on transcript NM_005591.4 (MANE Select); coding-DNA position 1648, T replaced by A.
Protein change: p.Leu550Ile; replaces leucine 550 with isoleucine.
Molecular consequence: missense variant.
Genome position (GRCh38, 1-based): chr11:94,447,354, A>T on the plus strand (T>A on the coding strand, the complement: MRE11 is on the minus strand). VCF-style: chr11-94447354-A-T. GRCh37 (hg19) VCF-style: chr11-94180520-A-T.
Other names: c.1648T>A, p.Leu550Ile (NM_001330347.2, NM_005590.4); short protein forms L550I.
Identifiers: ClinVar variation 483627 (VCV000483627.6), dbSNP rs752370783, ClinGen allele CA6235014.

ClinVar aggregate classification (germline): Uncertain significance (1 of 4 stars; one submission).

Conditions:
Hereditary cancer-predisposing syndrome. Also called: Neoplastic Syndromes, Hereditary; Tumor predisposition; Hereditary Cancer Syndrome; Hereditary neoplastic syndrome. Identifiers: Orphanet 140162, MedGen C0027672, MeSH D009386, MONDO:0015356.

Allele frequency attached by ClinVar (database versions not stated): gnomAD exomes below 0.00001 and 0.00001; TOPMed below 0.00001; ExAC 0.00002.
gnomAD v4.1: 2 of 1,614,128 alleles (0.00012%); highest among the groups gnomAD compares: African/African-American, 0.0013%; no homozygotes.

Submission:

Ambry Genetics
Classification: Uncertain significance for Hereditary cancer-predisposing syndrome. Last evaluated: 2023-01-16. Review status: criteria provided, single submitter. Criteria: Ambry Variant Classification Scheme 2023. Collection method: clinical testing. Allele origin: germline.
Comment: The p.L550I variant (also known as c.1648T>A), located in coding exon 14 of the MRE11A gene, results from a T to A substitution at nucleotide position 1648. The leucine at codon 550 is replaced by isoleucine, an amino acid with highly similar properties. This variant was not reported in population based cohorts in the following databases: Database of Single Nucleotide Polymorphisms (dbSNP), NHLBI Exome Sequencing Project (ESP), and 1000 Genomes Project. In the ESP, this variant was not observed in 6499 samples (12998 alleles) with coverage at this position. To date, this alteration has been detected with an allele frequency of approximately 0.001% (greater than 175000 alleles tested) in our clinical cohort. This amino acid position is not conserved however, isoleucine is a reference amino acid in several species. In addition, this alteration is predicted to be tolerated by in silico analysis. Since supporting evidence is limited at this time, the clinical significance of this alteration remains unclear.